The following is an entry in ClinVar:

ClinVar aggregate classification (germline): Uncertain significance. Review status: criteria provided, multiple submitters, no conflicts (2 of 4 stars). 3 submissions from 3 submitters: Uncertain significance (3). Last evaluated 2025-11-06.

Conditions:
Inborn genetic diseases. Identifiers: MedGen C0950123, MeSH D030342.
Dejerine-Sottas disease. Also called: HMSN Type III; Hereditary motor and sensory neuropathy 3; Charcot-Marie-Tooth disease type 3; DEJERINE-SOTTAS NEUROPATHY; HEREDITARY MOTOR AND SENSORY NEUROPATHY TYPE III. Identifiers: Orphanet 64748, MedGen C0011195, MONDO:0007790, OMIM 145900.
Charcot-Marie-Tooth disease type 4F. Also called: Charcot-Marie-Tooth disease, demyelinating, type 4F. Identifiers: Orphanet 99952, MedGen C3540453, MONDO:0013959, OMIM 614895.
Charcot-Marie-Tooth disease type 4. Also called: Charcot-Marie-Tooth disease, type IV; Charcot-Marie-Tooth, Type 4. Identifiers: Orphanet 64749, MedGen C4082197, MONDO:0018995.

Allele frequency attached by ClinVar (database versions not stated): gnomAD exomes 0.00003; ExAC 0.00004; gnomAD 0.00004 and 0.00005; TOPMed 0.00004; ESP Exome Variant Server 0.00008; 1000 Genomes Project 30x 0.00031; 1000 Genomes Project 0.00040.
gnomAD v4.1: 76 of 1,609,334 alleles (0.0047%); highest among the groups gnomAD compares: African/African-American, 0.016%; no homozygotes.

Submissions (3):

Ambry Genetics
Classification: Uncertain significance for Inborn genetic diseases. Last evaluated: 2025-11-06. Review status: criteria provided, single submitter. Criteria: Ambry Variant Classification Scheme 2023. Collection method: clinical testing. Allele origin: germline.

Labcorp Genetics (formerly Invitae), Labcorp
Classification: Uncertain significance for Charcot-Marie-Tooth disease type 4. Last evaluated: 2024-01-08. Review status: criteria provided, single submitter. Criteria: Invitae Variant Classification Sherloc (09022015). Collection method: clinical testing. Allele origin: germline.
Comment: This sequence change replaces valine, which is neutral and non-polar, with isoleucine, which is neutral and non-polar, at codon 1118 of the PRX protein (p.Val1118Ile). This variant is present in population databases (rs143654708, gnomAD 0.03%). This variant has not been reported in the literature in individuals affected with PRX-related conditions. ClinVar contains an entry for this variant (Variation ID: 583305). Advanced modeling of protein sequence and biophysical properties (such as structural, functional, and spatial information, amino acid conservation, physicochemical variation, residue mobility, and thermodynamic stability) performed at Invitae indicates that this missense variant is not expected to disrupt PRX protein function with a negative predictive value of 80%. In summary, the available evidence is currently insufficient to determine the role of this variant in disease. Therefore, it has been classified as a Variant of Uncertain Significance.

Department of Pathology and Laboratory Medicine, Sinai Health System
Classification: Uncertain significance for Dejerine-Sottas disease; Charcot-Marie-Tooth disease type 4F. Last evaluated: 2022-07-04. Review status: criteria provided, single submitter. Criteria: ACMG Guidelines, 2015. Collection method: research. Allele origin: germline.

NM_181882.3(PRX):c.3352G>A (p.Val1118Ile)

Gene: PRX (periaxin; minus strand). Cytogenetic location: 19q13.2.
Variant type: single nucleotide variant.
Coding change: c.3352G>A on transcript NM_181882.3 (MANE Select); coding-DNA position 3352, G replaced by A.
Protein change: p.Val1118Ile; replaces valine 1118 with isoleucine.
Molecular consequence: missense variant. On other transcripts: 3 prime UTR variant (1).
Genome position (GRCh38, 1-based): chr19:40,395,000, C>T on the plus strand (G>A on the coding strand, the complement: PRX is on the minus strand). VCF-style: chr19-40395000-C-T. GRCh37 (hg19) VCF-style: chr19-40900907-C-T.
Other names: c.*3557G>A (NM_020956.2); short protein forms V1118I.
Identifiers: ClinVar variation 583305 (VCV000583305.7), dbSNP rs143654708, ClinGen allele CA9443874.